The following is an entry in ClinVar:

ClinVar aggregate classification (germline): Benign. Review status: criteria provided, multiple submitters, no conflicts (2 of 4 stars). 3 submissions from 3 submitters: Benign (2). 1 of the submissions does not count toward it. Last evaluated 2021-07-14.

Conditions:
Spermatogenic failure 24. Identifiers: MedGen C4693751, MONDO:0054728, OMIM 617959.
CFAP69-related disorder. Also called: CFAP69-related condition.

Allele frequency attached by ClinVar (database versions not stated): 1000 Genomes Project 30x 0.38007; 1000 Genomes Project 0.38059; TOPMed 0.45897; gnomAD 0.48100 and 0.48401; ESP Exome Variant Server 0.50255; ExAC 0.50709; gnomAD exomes 0.50921.
gnomAD v4.1: 798,826 of 1,477,024 alleles (54%); highest among the groups gnomAD compares: Non-Finnish European, 58%; 223,103 homozygotes.

Submissions (3):

Genome-Nilou Lab
Classification: Benign for Spermatogenic failure 24. Last evaluated: 2021-07-14. Review status: criteria provided, single submitter. Criteria: ACMG Guidelines, 2015. Collection method: clinical testing. Allele origin: germline. Affected: no.

Breakthrough Genomics
Classification: Benign. Review status: criteria provided, single submitter. Criteria: ACMG Guidelines, 2015. Collection method: not provided. Allele origin: germline. Inheritance: Autosomal recessive inheritance. Affected: yes.

PreventionGenetics, part of Exact Sciences
Classification: Benign for CFAP69-related condition. Last evaluated: 2019-10-16. Review status: no assertion criteria provided. Collection method: clinical testing. Allele origin: germline. Not counted in ClinVar's aggregate classification.
Comment: This variant is classified as benign based on ACMG/AMP sequence variant interpretation guidelines (Richards et al. 2015 PMID: 25741868, with internal and published modifications).

NM_001039706.3(CFAP69):c.2654C>T (p.Thr885Met)

Gene: CFAP69 (cilia and flagella associated protein 69; plus strand). Cytogenetic location: 7q21.13.
Variant type: single nucleotide variant.
Coding change: c.2654C>T on transcript NM_001039706.3 (MANE Select); coding-DNA position 2654, C replaced by T.
Protein change: p.Thr885Met; replaces threonine 885 with methionine.
Molecular consequence: missense variant.
Genome position (GRCh38, 1-based): chr7:90,309,366, C>T. VCF-style: chr7-90309366-C-T. GRCh37 (hg19) VCF-style: chr7-89938680-C-T.
Other names: c.2600C>T, p.Thr867Met (NM_001160138.2); c.2456C>T, p.Thr819Met (NM_001363438.1); c.2654C>T (NM_001039706.2); short protein forms T819M, T867M, T885M.
Identifiers: ClinVar variation 1192638 (VCV001192638.6), dbSNP rs1134956, ClinGen allele CA4333872.